The following is an entry in ClinVar:

ClinVar aggregate classification (germline): Uncertain significance (1 of 4 stars; one submission).

Submission:

Ambry Genetics
Classification: Uncertain significance. Last evaluated: 2026-02-06. Review status: criteria provided, single submitter. Criteria: Ambry Variant Classification Scheme 2023. Collection method: clinical testing. Allele origin: germline.
Comment: The c.4508_4519del12 variant (also known as p.I1503_T1506del) is located in coding exon 40 of the KIF1B gene. This variant results from an in-frame TCTCAACCACTA deletion at nucleotide positions 4508 to 4519. This results in the in-frame deletion of four amino acids at codon 1503. This amino acid region is not well conserved in available vertebrate species. The evidence for this gene-disease relationship is limited; therefore, the clinical significance of this variant is unclear.

NM_001365951.3(KIF1B):c.4646_4657del (p.Ile1549_Thr1552del)

Gene: KIF1B (kinesin family member 1B; plus strand). Cytogenetic location: 1p36.22.
Variant type: Deletion.
Coding change: c.4646_4657del on transcript NM_001365951.3 (MANE Select); coding-DNA positions 4646 to 4657, 12 bases deleted (TCTCAACCACTA).
Protein change: p.Ile1549_Thr1552del.
Genome position (GRCh38, 1-based): chr1:10,365,542-10,365,553, TCTCAACCACTA deleted; deleting any 12 consecutive bases within chr1:10,365,541-10,365,553 gives the same sequence; the c. name uses the placement nearest the transcript's 3' end. VCF-style (leftmost placement, unchanged base first): chr1-10365540-GATCTCAACCACT-G. GRCh37 (hg19) VCF-style: chr1-10425598-GATCTCAACCACT-G.
Other names: c.4646_4657del, p.Ile1549_Thr1552del (NM_001365952.1); c.4508_4519del, p.Ile1503_Thr1506del (NM_015074.3); c.4508_4519del12 (NM_015074.3).
Identifiers: ClinVar variation 4844677 (VCV004844677.1).